The following is an entry in ClinVar:

NM_002691.4(POLD1):c.2188A>C (p.Lys730Gln)

Gene: POLD1 (DNA polymerase delta 1, catalytic subunit; plus strand). Cytogenetic location: 19q13.33.
Variant type: single nucleotide variant.
Coding change: c.2188A>C on transcript NM_002691.4 (MANE Select); coding-DNA position 2188, A replaced by C.
Protein change: p.Lys730Gln; replaces lysine 730 with glutamine.
Molecular consequence: missense variant. On other transcripts: non-coding transcript variant (1).
Genome position (GRCh38, 1-based): chr19:50,413,459, A>C. VCF-style: chr19-50413459-A-C. GRCh37 (hg19) VCF-style: chr19-50916716-A-C.
Other names: c.2188A>C, p.Lys730Gln (NM_001256849.1); c.2266A>C, p.Lys756Gln (NM_001308632.1); c.2188A>C (NM_002691.2); short protein forms K756Q, K730Q.
Identifiers: ClinVar variation 408107 (VCV000408107.15), dbSNP rs1060501853, ClinGen allele CA16616388.

ClinVar aggregate classification (germline): Conflicting classifications of pathogenicity. Review status: criteria provided, conflicting classifications (1 of 4 stars). 3 submissions from 3 submitters: Uncertain significance (2); Likely benign (1). Last evaluated 2026-02-03.

Conditions:
Hereditary cancer-predisposing syndrome. Also called: Neoplastic Syndromes, Hereditary; Hereditary neoplastic syndrome; Hereditary Cancer Syndrome; Tumor predisposition. Identifiers: Orphanet 140162, MedGen C0027672, MeSH D009386, MONDO:0015356.
POLD1-related polyposis and colorectal cancer syndrome (CRCS10). Also called: Colorectal cancer, susceptibility to, 10; Colorectal cancer 10; COLORECTAL CANCER, SUSCEPTIBILITY TO, ON CHROMOSOME 19q. Identifiers: Orphanet 220460, MedGen C2675481, MONDO:0012953, OMIM 612591.

Allele frequency attached by ClinVar (database versions not stated): gnomAD exomes below 0.00001.
gnomAD v4.1: 2 of 1,613,466 alleles (0.00012%); highest among the groups gnomAD compares: Non-Finnish European, 0.00017%; no homozygotes.

Submissions (3):

Labcorp Genetics (formerly Invitae), Labcorp
Classification: Uncertain significance for POLD1-related polyposis and colorectal cancer syndrome. Last evaluated: 2026-02-03. Review status: criteria provided, single submitter. Criteria: Invitae Variant Classification Sherloc (09022015). Collection method: clinical testing. Allele origin: germline.
Comment: This sequence change replaces lysine, which is basic and polar, with glutamine, which is neutral and polar, at codon 730 of the POLD1 protein (p.Lys730Gln). This variant is not present in population databases (gnomAD no frequency). This variant has not been reported in the literature in individuals affected with POLD1-related conditions. ClinVar contains an entry for this variant (Variation ID: 408107). Invitae Evidence Modeling of protein sequence and biophysical properties (such as structural, functional, and spatial information, amino acid conservation, physicochemical variation, residue mobility, and thermodynamic stability) indicates that this missense variant is not expected to disrupt POLD1 protein function with a negative predictive value of 80%. In summary, the available evidence is currently insufficient to determine the role of this variant in disease. Therefore, it has been classified as a Variant of Uncertain Significance.

Ambry Genetics
Classification: Likely benign for Hereditary cancer-predisposing syndrome. Last evaluated: 2025-03-27. Review status: criteria provided, single submitter. Criteria: Ambry Variant Classification Scheme 2023. Collection method: clinical testing. Allele origin: germline.

GeneDx
Classification: Uncertain significance. Last evaluated: 2023-01-25. Review status: criteria provided, single submitter. Criteria: GeneDx Variant Classification Process June 2021. Collection method: clinical testing. Allele origin: germline. Affected: yes.
Comment: Not observed at significant frequency in large population cohorts (gnomAD); In silico analysis supports that this missense variant does not alter protein structure/function; Has not been previously published as pathogenic or benign to our knowledge; This variant is associated with the following publications: (PMID: 20951805)